The following is an entry in ClinVar:

ClinVar aggregate classification (germline): Conflicting classifications of pathogenicity. Review status: criteria provided, conflicting classifications (1 of 4 stars). 2 submissions from 2 submitters: Uncertain significance (1); Likely benign (1). Last evaluated 2026-04-27.

Conditions:
Developmental and epileptic encephalopathy, 51 (DEE51). Also called: Epileptic encephalopathy, early infantile, 51. Identifiers: MedGen C4479208, MONDO:0015025, OMIM 617339.
Inborn genetic diseases. Identifiers: MedGen C0950123, MeSH D030342.

Allele frequency attached by ClinVar (database versions not stated): gnomAD exomes 0.00001; gnomAD 0.00002; TOPMed below 0.00001; ExAC 0.00007.
gnomAD v4.1: 24 of 1,614,000 alleles (0.0015%); highest among the groups gnomAD compares: South Asian, 0.015%; no homozygotes.

Submissions (2):

Centre for Medical Genetics,  Mumbai
Classification: Likely benign for Developmental and epileptic encephalopathy, 51. Last evaluated: 2026-04-27. Review status: criteria provided, single submitter. Criteria: ACMG Guidelines, 2015. Collection method: provider interpretation. Allele origin: germline. Inheritance: Autosomal recessive inheritance. Affected: no. Observed: 1 variant allele, 1 homozygote.
Comment: The variant satisfies PM2 criteria - extremely low frequency in gnomAD population databases. However, the variant satisfies BS2 criteria - present in homozygous state in an individual that clinically does not have developmental and epileptic encephalopathy.

Ambry Genetics
Classification: Uncertain significance for Inborn genetic diseases. Last evaluated: 2023-07-12. Review status: criteria provided, single submitter. Criteria: Ambry Variant Classification Scheme 2023. Collection method: clinical testing. Allele origin: germline.
Comment: The p.A59V variant (also known as c.176C>T), located in coding exon 2 of the MDH2 gene, results from a C to T substitution at nucleotide position 176. The alanine at codon 59 is replaced by valine, an amino acid with similar properties. This amino acid position is conserved. In addition, the in silico prediction for this alteration is inconclusive. Since supporting evidence is limited at this time, the clinical significance of this alteration remains unclear.

Literature cited by the submitters: PubMed 27989324 (cited by Centre for Medical Genetics,  Mumbai).

NM_005918.4(MDH2):c.176C>T (p.Ala59Val)

Gene: MDH2 (malate dehydrogenase 2; plus strand). Cytogenetic location: 7q11.23.
Variant type: single nucleotide variant.
Coding change: c.176C>T on transcript NM_005918.4 (MANE Select); coding-DNA position 176, C replaced by T.
Protein change: p.Ala59Val; replaces alanine 59 with valine.
Molecular consequence: missense variant. On other transcripts: intron variant (1).
Genome position (GRCh38, 1-based): chr7:76,054,939, C>T. VCF-style: chr7-76054939-C-T. GRCh37 (hg19) VCF-style: chr7-75684257-C-T.
Other names: c.176C>T, p.Ala59Val (NM_001282403.2); c.-86-2471C>T (NM_001282404.2); short protein forms A59V.
Identifiers: ClinVar variation 1779760 (VCV001779760.4), dbSNP rs782507132, ClinGen allele CA4305436.
Genomic context (GRCh38, chr7:76,054,939, plus strand): 5'-CACTTTCACTTCTCCTGAAGAACAGCCCCTTGGTGAGCCGCCTGACCCTCTATGATATCG[C>T]GCACACACCCGGAGTGGCCGCAGATCTGAGCCACATCGAGACCAAAGCCGCTGTGAAAGG-3'
Protein context (NP_005909.2, residues 49-69): LVSRLTLYDI[Ala59Val]HTPGVAADLS